The following is an entry in ClinVar:

ClinVar aggregate classification (germline): Uncertain significance (1 of 4 stars; one submission).

Submission:

GeneDx
Classification: Uncertain significance. Last evaluated: 2022-01-25. Review status: criteria provided, single submitter. Criteria: GeneDx Variant Classification Process June 2021. Collection method: clinical testing. Allele origin: germline. Affected: yes.
Comment: Not observed in large population cohorts (gnomAD); In silico analysis supports that this missense variant has a deleterious effect on protein structure/function; Has not been previously published as pathogenic or benign to our knowledge; This variant is associated with the following publications: (PMID: 16957765, 17574010)

NM_006517.5(SLC16A2):c.428C>T (p.Ala143Val)

Gene: SLC16A2 (solute carrier family 16 member 2; plus strand). Cytogenetic location: Xq13.2.
Variant type: single nucleotide variant.
Coding change: c.428C>T on transcript NM_006517.5 (MANE Select); coding-DNA position 428, C replaced by T.
Protein change: p.Ala143Val; replaces alanine 143 with valine.
Molecular consequence: missense variant.
Genome position (GRCh38, 1-based): chrX:74,422,065, C>T. VCF-style: chrX-74422065-C-T. GRCh37 (hg19) VCF-style: chrX-73641900-C-T.
Other names: short protein forms A143V.
Identifiers: ClinVar variation 1338895 (VCV001338895.2), dbSNP rs2147834119, ClinGen allele CA413656486.
Genomic context (GRCh38, chrX:74,422,065, plus strand): 5'-TCCTCTACTCCATGCTGCTAGAGGAGGAAAAGGAAAAAAATCGCCAAGTGGAGTTCCAAG[C>T]AGGTGAGTGGCCCCGCACGCCCCACTTGGCATTTTGGGCAAGGTTGGCCGCTCCCGCTGC-3'
Protein context (NP_006508.2, residues 133-153): KEKNRQVEFQ[Ala143Val]AWVGALAMGM